The following is an entry in ClinVar:

NM_001130987.2(DYSF):c.5624G>A (p.Ser1875Asn)

Gene: DYSF (dysferlin; plus strand). Cytogenetic location: 2p13.2.
Variant type: single nucleotide variant.
Coding change: c.5624G>A on transcript NM_001130987.2 (MANE Select); coding-DNA position 5624, G replaced by A.
Protein change: p.Ser1875Asn; replaces serine 1875 with asparagine.
Molecular consequence: missense variant.
Genome position (GRCh38, 1-based): chr2:71,669,189, G>A. VCF-style: chr2-71669189-G-A. GRCh37 (hg19) VCF-style: chr2-71896319-G-A.
Other names: c.5510G>A, p.Ser1837Asn (NM_001130455.2); c.5465G>A, p.Ser1822Asn (NM_001130976.2); c.5528G>A, p.Ser1843Asn (NM_001130977.2); c.5570G>A, p.Ser1857Asn (NM_001130978.2); c.5600G>A, p.Ser1867Asn (NM_001130979.2); c.5558G>A, p.Ser1853Asn (NM_001130980.2); c.5621G>A, p.Ser1874Asn (NM_001130981.2); c.5603G>A, p.Ser1868Asn (NM_001130982.2); and 5 more; short protein forms S1836N, S1875N, S1837N, S1843N, S1868N, S1823N, S1853N, S1857N.
Identifiers: ClinVar variation 2144690 (VCV002144690.3), dbSNP rs1171896487, ClinGen allele CA347223063.

ClinVar aggregate classification (germline): Uncertain significance. Review status: criteria provided, multiple submitters, no conflicts (2 of 4 stars). 3 submissions from 3 submitters: Uncertain significance (3). Last evaluated 2025-11-24.

Conditions:
Autosomal recessive limb-girdle muscular dystrophy. Identifiers: Orphanet 102015, MedGen C2931907, MONDO:0015152.
Neuromuscular disease caused by qualitative or quantitative defects of dysferlin. Also called: Qualitative or quantitative defects of dysferlin; Dysferlinopathy. Identifiers: Orphanet 207073, MedGen C2931687, MONDO:0016145.

Allele frequency attached by ClinVar (database versions not stated): gnomAD exomes below 0.00001.
gnomAD v4.1: 5 of 1,609,086 alleles (0.00031%); highest among the groups gnomAD compares: South Asian, 0.0033%; no homozygotes.

Submissions (3):

Myriad Genetics, Inc.
Classification: Uncertain significance for Autosomal recessive limb-girdle muscular dystrophy. Last evaluated: 2025-11-24. Review status: criteria provided, single submitter. Criteria: Myriad Autosomal Dominant, Autosomal Recessive and X-Linked Classification Criteria (2023). Collection method: clinical testing. Allele origin: unknown.
Comment: NM_003494.3(DYSF):c.5507G>A(S1836N) is a missense variant classified as a variant of uncertain significance in the context of dysferlinopathy. S1836N has been observed in a case with relevant disease (PMID: 39678382). Relevant functional assessments of this variant are not available in the literature. S1836N has been observed in referenced population frequency databases. In summary, there is insufficient evidence to classify NM_003494.3(DYSF):c.5507G>A(S1836N) as pathogenic or benign. Please note: this variant was assessed in the context of healthy population screening.

Blueprint Genetics
Classification: Uncertain significance. Last evaluated: 2023-10-12. Review status: criteria provided, single submitter. Criteria: ACMG Guidelines, 2015. Collection method: clinical testing. Allele origin: germline.

Labcorp Genetics (formerly Invitae), Labcorp
Classification: Uncertain significance for Neuromuscular disease caused by qualitative or quantitative defects of dysferlin. Last evaluated: 2022-04-07. Review status: criteria provided, single submitter. Criteria: Invitae Variant Classification Sherloc (09022015). Collection method: clinical testing. Allele origin: germline.
Comment: This sequence change replaces serine, which is neutral and polar, with asparagine, which is neutral and polar, at codon 1836 of the DYSF protein (p.Ser1836Asn). This variant is present in population databases (no rsID available, gnomAD 0.003%). This variant has not been reported in the literature in individuals affected with DYSF-related conditions. Algorithms developed to predict the effect of missense changes on protein structure and function are either unavailable or do not agree on the potential impact of this missense change (SIFT: "Deleterious"; PolyPhen-2: "Probably Damaging"; Align-GVGD: "Class C0"). In summary, the available evidence is currently insufficient to determine the role of this variant in disease. Therefore, it has been classified as a Variant of Uncertain Significance.

Literature cited by the submitters: PubMed 39678382 (cited by Myriad Genetics, Inc.).